The following is an entry in ClinVar:

NM_000785.4(CYP27B1):c.1474C>T (p.Arg492Trp)

Gene: CYP27B1 (cytochrome P450 family 27 subfamily B member 1; minus strand). Cytogenetic location: 12q14.1.
Variant type: single nucleotide variant.
Coding change: c.1474C>T on transcript NM_000785.4 (MANE Select); coding-DNA position 1474, C replaced by T.
Protein change: p.Arg492Trp; replaces arginine 492 with tryptophan.
Molecular consequence: missense variant.
Genome position (GRCh38, 1-based): chr12:57,763,195, G>A on the plus strand (C>T on the coding strand, the complement: CYP27B1 is on the minus strand). VCF-style: chr12-57763195-G-A. GRCh37 (hg19) VCF-style: chr12-58156978-G-A.
Other names: short protein forms R492W.
Identifiers: ClinVar variation 857514 (VCV000857514.12), dbSNP rs749537609, ClinGen allele CA6658116.
Genomic context (GRCh38, chr12:57,763,195, plus strand): 5'-CATGGGACTATCTGTCCAAAAACTGTAGGTTGATGCTCCTTTCAGGTACCAGGACAGTCC[G>A]GGTCTTGGGTCTAACTGGGGCCGCACCTGGCTCAGGCTGCACCTCAAAATGTGTTAGGAT-3'
Protein context (NP_000776.1, residues 482-502): PGAAPVRPKT[Arg492Trp]TVLVPERSIN

ClinVar aggregate classification (germline): Pathogenic/Likely pathogenic. Review status: criteria provided, multiple submitters, no conflicts (2 of 4 stars). 2 submissions from 2 submitters: Pathogenic (1); Likely pathogenic (1). Last evaluated 2025-02-10.

Conditions:
Vitamin D-dependent rickets, type 1A. Also called: PDDR IA; PSEUDOVITAMIN D-DEFICIENCY RICKETS, TYPE IA; VITAMIN D HYDROXYLATION-DEFICIENT RICKETS, TYPE 1A. Identifiers: MedGen CN283242, MONDO:0020723, OMIM 264700.

Allele frequency attached by ClinVar (database versions not stated): ExAC 0.00005; gnomAD 0.00003; gnomAD exomes 0.00003 and 0.00004; TOPMed 0.00004.
gnomAD v4.1: 57 of 1,614,052 alleles (0.0035%); highest among the groups gnomAD compares: African/African-American, 0.012%; no homozygotes.

Submissions (2):

Labcorp Genetics (formerly Invitae), Labcorp
Classification: Pathogenic. Last evaluated: 2025-02-10. Review status: criteria provided, single submitter. Criteria: Invitae Variant Classification Sherloc (09022015). Collection method: clinical testing. Allele origin: germline.
Comment: This sequence change replaces arginine, which is basic and polar, with tryptophan, which is neutral and slightly polar, at codon 492 of the CYP27B1 protein (p.Arg492Trp). This variant is present in population databases (rs749537609, gnomAD 0.008%). This missense change has been observed in individual(s) with vitamin D-dependent rickets (PMID: 22588163, 30282619, 35279323). In at least one individual the data is consistent with being in trans (on the opposite chromosome) from a pathogenic variant. ClinVar contains an entry for this variant (Variation ID: 857514). Invitae Evidence Modeling of protein sequence and biophysical properties (such as structural, functional, and spatial information, amino acid conservation, physicochemical variation, residue mobility, and thermodynamic stability) indicates that this missense variant is expected to disrupt CYP27B1 protein function with a positive predictive value of 80%. Experimental studies have shown that this missense change affects CYP27B1 function (PMID: 22588163). This variant disrupts the p.Arg492 amino acid residue in CYP27B1. Other variant(s) that disrupt this residue have been observed in individuals with CYP27B1-related conditions (PMID: 20926527), which suggests that this may be a clinically significant amino acid residue. For these reasons, this variant has been classified as Pathogenic.

Fulgent Genetics
Classification: Likely pathogenic for Vitamin D-dependent rickets, type 1A. Last evaluated: 2024-02-13. Review status: criteria provided, single submitter. Criteria: ACMG Guidelines, 2015. Collection method: clinical testing. Allele origin: germline.

Literature cited by the submitters: PubMed 22588163 (cited by Labcorp Genetics (formerly Invitae), Labcorp); PubMed 30282619 (cited by Labcorp Genetics (formerly Invitae), Labcorp); PubMed 35279323 (cited by Labcorp Genetics (formerly Invitae), Labcorp); PubMed 20926527 (cited by Labcorp Genetics (formerly Invitae), Labcorp).